The following is an entry in ClinVar:

NM_020893.6(CCDC180):c.4896A>C (p.Thr1632=)

Genes: CCDC180 (coiled-coil domain containing 180; plus strand), SUGT1P4-STRA6LP-CCDC180 (SUGT1P4-STRA6LP-CCDC180 readthrough; plus strand). Cytogenetic location: 9q22.33.
Variant type: single nucleotide variant.
Coding change: c.4896A>C on transcript NM_020893.6 (MANE Select); coding-DNA position 4896, A replaced by C.
Protein change: p.Thr1632=; no amino-acid change (threonine 1632 retained).
Molecular consequence: synonymous variant. On other transcripts: non-coding transcript variant (3).
Genome position (GRCh38, 1-based): chr9:97,376,816, A>C. VCF-style: chr9-97376816-A-C. GRCh37 (hg19) VCF-style: chr9-100139098-A-C.
Identifiers: ClinVar variation 2659335 (VCV002659335.24), dbSNP rs149173116, ClinGen allele CA466170510.

ClinVar aggregate classification (germline): Likely benign (1 of 4 stars; one submission).

Submission:

CeGaT Center for Human Genetics Tuebingen
Classification: Likely benign. Last evaluated: 2023-04-01. Review status: criteria provided, single submitter. Criteria: CeGaT Center For Human Genetics Tuebingen Variant Classification Criteria Version 2. Collection method: clinical testing. Allele origin: germline. Affected: yes. Observed: 1 variant allele.
Comment: CCDC180: PM2:Supporting, BP4, BP7